The following is an entry in ClinVar:

ClinVar aggregate classification (germline): Uncertain significance (1 of 4 stars; one submission).

Allele frequency attached by ClinVar (database versions not stated): gnomAD exomes 0.00003; TOPMed 0.00002; gnomAD 0.00005; ESP Exome Variant Server 0.00015; ExAC 0.00007.
gnomAD v4.1: 57 of 1,613,892 alleles (0.0035%); highest among the groups gnomAD compares: South Asian, 0.02%; no homozygotes.

Submission:

Labcorp Genetics (formerly Invitae), Labcorp
Classification: Uncertain significance. Last evaluated: 2025-04-20. Review status: criteria provided, single submitter. Criteria: Invitae Variant Classification Sherloc (09022015). Collection method: clinical testing. Allele origin: germline.
Comment: This sequence change falls in intron 30 of the MYH3 gene. It does not directly change the encoded amino acid sequence of the MYH3 protein. It affects a nucleotide within the consensus splice site. This variant is present in population databases (rs377130319, gnomAD 0.03%). This variant has not been reported in the literature in individuals affected with MYH3-related conditions. ClinVar contains an entry for this variant (Variation ID: 2750100). Variants that disrupt the consensus splice site are a relatively common cause of aberrant splicing (PMID: 17576681, 9536098). Algorithms developed to predict the effect of sequence changes on RNA splicing suggest that this variant may disrupt the consensus splice site. In summary, the available evidence is currently insufficient to determine the role of this variant in disease. Therefore, it has been classified as a Variant of Uncertain Significance.

Literature cited by the submitters: PubMed 17576681; PubMed 9536098.

NM_002470.4(MYH3):c.4172+4C>T

Gene: MYH3 (myosin heavy chain 3; minus strand). Cytogenetic location: 17p13.1.
Variant type: single nucleotide variant.
Coding change: c.4172+4C>T on transcript NM_002470.4 (MANE Select); 4 bases into the intron after coding-DNA position 4172, C replaced by T.
Molecular consequence: intron variant.
Genome position (GRCh38, 1-based): chr17:10,635,363, G>A on the plus strand (C>T on the coding strand, the complement: MYH3 is on the minus strand). VCF-style: chr17-10635363-G-A. GRCh37 (hg19) VCF-style: chr17-10538680-G-A.
Identifiers: ClinVar variation 2750100 (VCV002750100.3), dbSNP rs377130319, ClinGen allele CA8392299.